The following is an entry in ClinVar:

NM_025114.4(CEP290):c.2454A>G (p.Gln818=)

Gene: CEP290 (centrosomal protein 290; minus strand). Cytogenetic location: 12q21.32.
Variant type: single nucleotide variant.
Coding change: c.2454A>G on transcript NM_025114.4 (MANE Select); coding-DNA position 2454, A replaced by G.
Protein change: p.Gln818=; no amino-acid change (glutamine 818 retained).
Molecular consequence: synonymous variant.
Genome position (GRCh38, 1-based): chr12:88,109,095, T>C on the plus strand (A>G on the coding strand, the complement: CEP290 is on the minus strand). VCF-style: chr12-88109095-T-C. GRCh37 (hg19) VCF-style: chr12-88502872-T-C.
Identifiers: ClinVar variation 3355475 (VCV003355475.2).

ClinVar aggregate classification (germline): Likely benign. Review status: criteria provided, single submitter (1 of 4 stars). 2 submissions from 2 submitters: Likely benign (1). 1 of the submissions does not count toward it. Last evaluated 2018-01-02.

Conditions:
CEP290-related disorder. Also called: CEP290-related disorders; CEP290-related condition. Identifiers: MedGen CN239314.

gnomAD v4.1: 5 of 1,434,924 alleles (0.00035%); highest among the groups gnomAD compares: South Asian, 0.0014%; no homozygotes.

Submissions (2):

Blueprint Genetics
Classification: Likely benign. Last evaluated: 2018-01-02. Review status: criteria provided, single submitter. Criteria: ACMG Guidelines, 2015. Collection method: clinical testing. Allele origin: germline.

PreventionGenetics, part of Exact Sciences
Classification: Likely benign for CEP290-related condition. Last evaluated: 2023-03-03. Review status: no assertion criteria provided. Collection method: clinical testing. Allele origin: germline. Not counted in ClinVar's aggregate classification.
Comment: This variant is classified as likely benign based on ACMG/AMP sequence variant interpretation guidelines (Richards et al. 2015 PMID: 25741868, with internal and published modifications).